The following is an entry in ClinVar:

NM_001903.5(CTNNA1):c.1247T>A (p.Val416Asp)

Gene: CTNNA1 (catenin alpha 1; plus strand). Cytogenetic location: 5q31.2.
Variant type: single nucleotide variant.
Coding change: c.1247T>A on transcript NM_001903.5 (MANE Select); coding-DNA position 1247, T replaced by A.
Protein change: p.Val416Asp; replaces valine 416 with aspartic acid.
Molecular consequence: missense variant. On other transcripts: 5 prime UTR variant (5), intron variant (2).
Genome position (GRCh38, 1-based): chr5:138,887,593, T>A. VCF-style: chr5-138887593-T-A. GRCh37 (hg19) VCF-style: chr5-138223282-T-A.
Other names: c.137T>A, p.Val46Asp (NM_001323987.1, NM_001323988.1, NM_001323989.1 and 18 more transcripts); c.-261T>A (NM_001324006.1, NM_001324007.1, NM_001324008.1 and 1 more transcripts); c.-136T>A (NM_001324013.1); c.-58+11996T>A (NM_001324012.1); c.-61+11996T>A (NM_001324010.1); c.878T>A, p.Val293Asp (NM_001290310.3); c.1247T>A, p.Val416Asp (NM_001323982.2, NM_001323983.1, NM_001323984.2 and 3 more transcripts); c.938T>A, p.Val313Asp (NM_001290309.3); short protein forms V293D, V313D, V416D, V46D.
Identifiers: ClinVar variation 4869479 (VCV004869479.1).

ClinVar aggregate classification (germline): Uncertain significance (1 of 4 stars; one submission).

Conditions:
Hereditary cancer-predisposing syndrome. Also called: Neoplastic Syndromes, Hereditary; Tumor predisposition; Hereditary Cancer Syndrome; Hereditary neoplastic syndrome. Identifiers: Orphanet 140162, MedGen C0027672, MeSH D009386, MONDO:0015356.

Submission:

Ambry Genetics
Classification: Uncertain significance for Hereditary cancer-predisposing syndrome. Last evaluated: 2026-05-11. Review status: criteria provided, single submitter. Criteria: Ambry Variant Classification Scheme 2023. Collection method: clinical testing. Allele origin: germline.
Comment: The p.V416D variant (also known as c.1247T>A), located in coding exon 8 of the CTNNA1 gene, results from a T to A substitution at nucleotide position 1247. The valine at codon 416 is replaced by aspartic acid, an amino acid with highly dissimilar properties. This amino acid position is highly conserved in available vertebrate species. In addition, this alteration is predicted to be deleterious by in silico analysis. Based on the available evidence, the clinical significance of this variant remains unclear.